The following is an entry in ClinVar:

ClinVar aggregate classification (germline): Benign/Likely benign. Review status: criteria provided, multiple submitters, no conflicts (2 of 4 stars). 9 submissions from 6 submitters: Benign (1); Likely benign (8). Last evaluated 2026-02-01.

Conditions:
Malignant hyperthermia, susceptibility to, 5 (MHS5). Also called: CACNA1S-Related Malignant Hyperthermia Susceptibility. Identifiers: Orphanet 423, MedGen C1866077, MONDO:0011163, OMIM 601887.
Hypokalemic periodic paralysis, type 1. Also called: HypoPP; Hypokalemic Periodic Paralysis Type 1 (AD). Identifiers: Orphanet 681, MedGen C3714580, MONDO:0042979, OMIM 170400.
Thyrotoxic periodic paralysis, susceptibility to, 1 (TTPP1). Identifiers: Orphanet 79102, MedGen C2749982, MONDO:0008570, OMIM 188580.
Congenital myopathy 18. Also called: DIHYDROPYRIDINE RECEPTOR CONGENITAL MYOPATHY; DHPR CONGENITAL MYOPATHY; Myopathy, congenital, due to dihydropyridine receptor defect. Identifiers: MedGen C5830283, MONDO:0859514, OMIM 620246.

Allele frequency attached by ClinVar (database versions not stated): TOPMed 0.00028; ESP Exome Variant Server 0.00031; 1000 Genomes Project 0.00040.
gnomAD v4.1: 219 of 1,590,022 alleles (0.014%); highest among the groups gnomAD compares: Admixed American, 0.11%; no homozygotes.

Submissions (9):

Labcorp Genetics (formerly Invitae), Labcorp
Classification: Likely benign for Hypokalemic periodic paralysis, type 1; Malignant hyperthermia, susceptibility to, 5. Last evaluated: 2026-02-01. Review status: criteria provided, single submitter. Criteria: Invitae Variant Classification Sherloc (09022015). Collection method: clinical testing. Allele origin: germline.

Blueprint Genetics
Classification: Likely benign. Last evaluated: 2024-08-21. Review status: criteria provided, single submitter. Criteria: ACMG Guidelines, 2015. Collection method: clinical testing. Allele origin: germline.

Genome-Nilou Lab
Classification: Likely benign for Malignant hyperthermia, susceptibility to, 5. Last evaluated: 2023-04-11. Review status: criteria provided, single submitter. Criteria: ACMG Guidelines, 2015. Collection method: clinical testing. Allele origin: germline. Affected: no.

Genome-Nilou Lab
Classification: Likely benign for Thyrotoxic periodic paralysis, susceptibility to, 1. Last evaluated: 2023-04-11. Review status: criteria provided, single submitter. Criteria: ACMG Guidelines, 2015. Collection method: clinical testing. Allele origin: germline. Affected: no.

Genome-Nilou Lab
Classification: Likely benign for Congenital myopathy 18. Last evaluated: 2023-04-11. Review status: criteria provided, single submitter. Criteria: ACMG Guidelines, 2015. Collection method: clinical testing. Allele origin: germline. Affected: no.

Genome-Nilou Lab
Classification: Likely benign for Hypokalemic periodic paralysis, type 1. Last evaluated: 2023-04-11. Review status: criteria provided, single submitter. Criteria: ACMG Guidelines, 2015. Collection method: clinical testing. Allele origin: germline. Affected: no.

Fulgent Genetics
Classification: Likely benign for Hypokalemic periodic paralysis, type 1; Thyrotoxic periodic paralysis, susceptibility to, 1; Malignant hyperthermia, susceptibility to, 5. Last evaluated: 2021-11-30. Review status: criteria provided, single submitter. Criteria: ACMG Guidelines, 2015. Collection method: clinical testing. Allele origin: unknown.

Illumina Laboratory Services, Illumina
Classification: Benign for Hypokalemic periodic paralysis, type 1. Last evaluated: 2018-01-13. Review status: criteria provided, single submitter. Criteria: ICSL Variant Classification Criteria 13 December 2019. Collection method: clinical testing. Allele origin: germline.
Comment: This variant was observed in the ICSL laboratory as part of a predisposition screen in an ostensibly healthy population. It had not been previously curated by ICSL or reported in the Human Gene Mutation Database (HGMD: prior to June 1st, 2018), and was therefore a candidate for classification through an automated scoring system. Utilizing variant allele frequency, disease prevalence and penetrance estimates, and inheritance mode, an automated score was calculated to assess if this variant is too frequent to cause the disease. Based on the score and internal cut-off values, a variant classified as benign is not then subjected to further curation. The score for this variant resulted in a classification of benign for this disease.

GeneDx
Classification: Likely benign. Last evaluated: 2016-03-15. Review status: criteria provided, single submitter. Criteria: GeneDx Variant Classification (06012015). Collection method: clinical testing. Allele origin: germline. Affected: yes.
Comment: This variant is considered likely benign or benign based on one or more of the following criteria: it is a conservative change, it occurs at a poorly conserved position in the protein, it is predicted to be benign by multiple in silico algorithms, and/or has population frequency not consistent with disease.

NM_000069.3(CACNA1S):c.3953+14G>A

Gene: CACNA1S (calcium voltage-gated channel subunit alpha1 S; minus strand). Cytogenetic location: 1q32.1.
Variant type: single nucleotide variant.
Coding change: c.3953+14G>A on transcript NM_000069.3 (MANE Select); 14 bases into the intron after coding-DNA position 3953, G replaced by A.
Molecular consequence: intron variant.
Genome position (GRCh38, 1-based): chr1:201,052,543, C>T on the plus strand (G>A on the coding strand, the complement: CACNA1S is on the minus strand). VCF-style: chr1-201052543-C-T. GRCh37 (hg19) VCF-style: chr1-201021671-C-T.
Identifiers: ClinVar variation 384314 (VCV000384314.15), dbSNP rs201077181, ClinGen allele CA082950.